The following is an entry in ClinVar:

NM_001135022.2(ELMOD3):c.448C>T (p.Arg150Trp)

Gene: ELMOD3 (ELMO domain containing 3; plus strand). Cytogenetic location: 2p11.2.
Variant type: single nucleotide variant.
Coding change: c.448C>T on transcript NM_001135022.2 (MANE Select); coding-DNA position 448, C replaced by T.
Protein change: p.Arg150Trp; replaces arginine 150 with tryptophan.
Molecular consequence: missense variant. On other transcripts: non-coding transcript variant (3).
Genome position (GRCh38, 1-based): chr2:85,371,173, C>T. VCF-style: chr2-85371173-C-T. GRCh37 (hg19) VCF-style: chr2-85598296-C-T.
Other names: c.448C>T (NM_001135021.1); c.448C>T, p.Arg150Trp (NM_001135021.2, NM_001135023.2, NM_001329791.2 and 3 more transcripts); short protein forms R150W.
Identifiers: ClinVar variation 2722049 (VCV002722049.4), dbSNP rs142656005, ClinGen allele CA1740338.
Genomic context (GRCh38, chr2:85,371,173, plus strand): 5'-ACTGGGCTCGCCGCCCTCCGACACTACCTCTTCGGGCCTCCAAAGCTCCACCAGCGCCTT[C>T]GGGAAGAAAGGGACTTGGTCCTGACCATTGCTCAGTGTGAGTGCAATGCGAGCCCACAGG-3'
Protein context (NP_001128494.1, residues 140-160): FGPPKLHQRL[Arg150Trp]EERDLVLTIA

ClinVar aggregate classification (germline): Uncertain significance. Review status: criteria provided, multiple submitters, no conflicts (2 of 4 stars). 2 submissions from 2 submitters: Uncertain significance (2). Last evaluated 2026-02-06.

Conditions:
ELMOD3-related disorder. Also called: ELMOD3-related condition.

Allele frequency attached by ClinVar (database versions not stated): gnomAD 0.00005; TOPMed 0.00006; ESP Exome Variant Server 0.00015.

Submissions (2):

PreventionGenetics, part of Exact Sciences
Classification: Uncertain significance for ELMOD3-related condition. Last evaluated: 2026-02-06. Review status: criteria provided, single submitter. Criteria: ACMG Guidelines, 2015. Collection method: clinical testing. Allele origin: germline.
Comment: The ELMOD3 c.448C>T variant is predicted to result in the amino acid substitution p.Arg150Trp. To our knowledge, this variant has not been reported in the literature. This variant is reported in 0.0093% of alleles in individuals of European (Non-Finnish) descent in gnomAD. At this time, the clinical significance of this variant is uncertain due to the absence of conclusive functional and genetic evidence.

Labcorp Genetics (formerly Invitae), Labcorp
Classification: Uncertain significance. Last evaluated: 2023-02-03. Review status: criteria provided, single submitter. Criteria: Invitae Variant Classification Sherloc (09022015). Collection method: clinical testing. Allele origin: germline.
Comment: This sequence change replaces arginine, which is basic and polar, with tryptophan, which is neutral and slightly polar, at codon 150 of the ELMOD3 protein (p.Arg150Trp). This variant is present in population databases (rs142656005, gnomAD 0.009%). This variant has not been reported in the literature in individuals affected with ELMOD3-related conditions. Advanced modeling of protein sequence and biophysical properties (such as structural, functional, and spatial information, amino acid conservation, physicochemical variation, residue mobility, and thermodynamic stability) performed at Invitae indicates that this missense variant is not expected to disrupt ELMOD3 protein function. In summary, the available evidence is currently insufficient to determine the role of this variant in disease. Therefore, it has been classified as a Variant of Uncertain Significance.